The following is an entry in ClinVar:

NM_001184.4(ATR):c.1699G>C (p.Val567Leu)

Gene: ATR (ATR serine/threonine kinase; minus strand). Cytogenetic location: 3q23.
Variant type: single nucleotide variant.
Coding change: c.1699G>C on transcript NM_001184.4 (MANE Select); coding-DNA position 1699, G replaced by C.
Protein change: p.Val567Leu; replaces valine 567 with leucine.
Molecular consequence: missense variant.
Genome position (GRCh38, 1-based): chr3:142,559,284, C>G on the plus strand (G>C on the coding strand, the complement: ATR is on the minus strand). VCF-style: chr3-142559284-C-G. GRCh37 (hg19) VCF-style: chr3-142278126-C-G.
Other names: c.1507G>C, p.Val503Leu (NM_001354579.2); short protein forms V567L, V503L.
Identifiers: ClinVar variation 3463443 (VCV003463443.1).

ClinVar aggregate classification (germline): Uncertain significance (1 of 4 stars; one submission).

Conditions:
Inborn genetic diseases. Identifiers: MedGen C0950123, MeSH D030342.

Submission:

Ambry Genetics
Classification: Uncertain significance for Inborn genetic diseases. Last evaluated: 2024-11-16. Review status: criteria provided, single submitter. Criteria: Ambry Variant Classification Scheme 2023. Collection method: clinical testing. Allele origin: germline.
Comment: The p.V567L variant (also known as c.1699G>C), located in coding exon 7 of the ATR gene, results from a G to C substitution at nucleotide position 1699. The valine at codon 567 is replaced by leucine, an amino acid with highly similar properties. This amino acid position is conserved. In addition, this alteration is predicted to be tolerated by in silico analysis. Based on the available evidence, the clinical significance of this variant remains unclear.